The following is an entry in ClinVar:

NM_001111125.3(IQSEC2):c.3316G>A (p.Ala1106Thr)

Gene: IQSEC2 (IQ motif and Sec7 domain ArfGEF 2; minus strand). Cytogenetic location: Xp11.22.
Variant type: single nucleotide variant.
Coding change: c.3316G>A on transcript NM_001111125.3 (MANE Select); coding-DNA position 3316, G replaced by A.
Protein change: p.Ala1106Thr; replaces alanine 1106 with threonine.
Molecular consequence: missense variant.
Genome position (GRCh38, 1-based): chrX:53,236,457, C>T on the plus strand (G>A on the coding strand, the complement: IQSEC2 is on the minus strand). VCF-style: chrX-53236457-C-T. GRCh37 (hg19) VCF-style: chrX-53265639-C-T.
Other names: c.2701G>A, p.Ala901Thr (NM_015075.2); short protein forms A1106T, A901T.
Identifiers: ClinVar variation 1025413 (VCV001025413.9), dbSNP rs2074131912, ClinGen allele CA413145326.

ClinVar aggregate classification (germline): Uncertain significance (1 of 4 stars; one submission).

Conditions:
Intellectual developmental disorder, X-linked 1. Also called: Atkin Flaitz Patil Smith syndrome; Intellectual disability, X-linked 1; MENTAL RETARDATION, X-LINKED 18; MENTAL RETARDATION, X-LINKED 78. Identifiers: Orphanet 777, MedGen C2931498, MONDO:0010656, OMIM 309530.

Allele frequency attached by ClinVar (database versions not stated): gnomAD exomes below 0.00001.
gnomAD v4.1: 5 of 1,200,963 alleles (0.00042%); highest among the groups gnomAD compares: Middle Eastern, 0.023%; no homozygotes.

Submission:

Labcorp Genetics (formerly Invitae), Labcorp
Classification: Uncertain significance for Intellectual developmental disorder, X-linked 1. Last evaluated: 2022-08-10. Review status: criteria provided, single submitter. Criteria: Invitae Variant Classification Sherloc (09022015). Collection method: clinical testing. Allele origin: germline.
Comment: In summary, the available evidence is currently insufficient to determine the role of this variant in disease. Therefore, it has been classified as a Variant of Uncertain Significance. Advanced modeling of protein sequence and biophysical properties (such as structural, functional, and spatial information, amino acid conservation, physicochemical variation, residue mobility, and thermodynamic stability) performed at Invitae indicates that this missense variant is not expected to disrupt IQSEC2 protein function. This sequence change replaces alanine, which is neutral and non-polar, with threonine, which is neutral and polar, at codon 1106 of the IQSEC2 protein (p.Ala1106Thr). This variant is not present in population databases (gnomAD no frequency). This variant has not been reported in the literature in individuals affected with IQSEC2-related conditions. ClinVar contains an entry for this variant (Variation ID: 1025413).